The following is an entry in ClinVar:

NM_152703.5(SAMD9L):c.2036T>C (p.Phe679Ser)

Gene: SAMD9L (sterile alpha motif domain containing 9 like; minus strand). Cytogenetic location: 7q21.2.
Variant type: single nucleotide variant.
Coding change: c.2036T>C on transcript NM_152703.5 (MANE Select); coding-DNA position 2036, T replaced by C.
Protein change: p.Phe679Ser; replaces phenylalanine 679 with serine.
Molecular consequence: missense variant.
Genome position (GRCh38, 1-based): chr7:93,133,936, A>G on the plus strand (T>C on the coding strand, the complement: SAMD9L is on the minus strand). VCF-style: chr7-93133936-A-G. GRCh37 (hg19) VCF-style: chr7-92763249-A-G.
Other names: c.2036T>C, p.Phe679Ser (NM_001303496.3, NM_001303497.3, NM_001303498.3 and 5 more transcripts); c.2036T>C (NM_152703.2); short protein forms F679S.
Identifiers: ClinVar variation 3651511 (VCV003651511.3).

ClinVar aggregate classification (germline): Uncertain significance. Review status: criteria provided, multiple submitters, no conflicts (2 of 4 stars). 2 submissions from 2 submitters: Uncertain significance (2). Last evaluated 2025-07-22.

Conditions:
Inborn genetic diseases. Identifiers: MedGen C0950123, MeSH D030342.

gnomAD v4.1: 1 of 1,613,718 alleles (0.000062%); highest among the groups gnomAD compares: African/African-American, 0.0013%; no homozygotes.

Submissions (2):

Ambry Genetics
Classification: Uncertain significance for Inborn genetic diseases. Last evaluated: 2025-07-22. Review status: criteria provided, single submitter. Criteria: Ambry Variant Classification Scheme 2023. Collection method: clinical testing. Allele origin: germline.
Comment: The p.F679S variant (also known as c.2036T>C), located in coding exon 1 of the SAMD9L gene, results from a T to C substitution at nucleotide position 2036. The phenylalanine at codon 679 is replaced by serine, an amino acid with highly dissimilar properties. This amino acid position is conserved. In addition, this alteration is predicted to be tolerated by in silico analysis. Based on the available evidence, the clinical significance of this variant remains unclear.

Labcorp Genetics (formerly Invitae), Labcorp
Classification: Uncertain significance. Last evaluated: 2024-07-27. Review status: criteria provided, single submitter. Criteria: Invitae Variant Classification Sherloc (09022015). Collection method: clinical testing. Allele origin: germline.
Comment: This sequence change replaces phenylalanine, which is neutral and non-polar, with serine, which is neutral and polar, at codon 679 of the SAMD9L protein (p.Phe679Ser). This variant is not present in population databases (gnomAD no frequency). This variant has not been reported in the literature in individuals affected with SAMD9L-related conditions. Advanced modeling of protein sequence and biophysical properties (such as structural, functional, and spatial information, amino acid conservation, physicochemical variation, residue mobility, and thermodynamic stability) performed at Invitae indicates that this missense variant is not expected to disrupt SAMD9L protein function with a negative predictive value of 80%. In summary, the available evidence is currently insufficient to determine the role of this variant in disease. Therefore, it has been classified as a Variant of Uncertain Significance.